The following is an entry in ClinVar:

ClinVar aggregate classification (germline): Benign (1 of 4 stars; one submission).

Submission:

CeGaT Center for Human Genetics Tuebingen
Classification: Benign. Last evaluated: 2022-09-01. Review status: criteria provided, single submitter. Criteria: CeGaT Center For Human Genetics Tuebingen Variant Classification Criteria Version 2. Collection method: clinical testing. Allele origin: germline. Affected: yes. Observed: 1 variant allele.
Comment: TP63: BS1, BS2

NM_003722.5(TP63):c.*2555dup

Gene: TP63 (tumor protein p63; plus strand). Cytogenetic location: 3q28.
Variant type: Duplication.
Coding change: c.*2555dup on transcript NM_003722.5 (MANE Select); 2555 bases downstream of the stop codon, one base duplicated (T; older notation c.*2555dupT).
Molecular consequence: 3 prime UTR variant.
Genome position (GRCh38, 1-based): chr3:189,897,057, T duplicated; the last of 5 consecutive T bases (chr3:189,897,053-189,897,057); duplicating any one gives the same sequence. VCF-style (leftmost placement, unchanged base first): chr3-189897052-A-AT. GRCh37 (hg19) VCF-style: chr3-189614841-A-AT.
Other names: c.*2836dup (NM_001114978.2, NM_001114981.2); c.*2555dup (NM_001114980.2, NM_001329146.2, NM_001329148.2 and 1 more transcripts); c.*2826dup (NM_001329144.2, NM_001329145.2, NM_001329149.2 and 1 more transcripts).
Identifiers: ClinVar variation 344435 (VCV000344435.29), dbSNP rs772929136, ClinGen allele CA10615938.